The following is an entry in ClinVar:

NM_022167.4(XYLT2):c.2584G>A (p.Gly862Arg)

Gene: XYLT2 (xylosyltransferase 2; plus strand). Cytogenetic location: 17q21.33.
Variant type: single nucleotide variant.
Coding change: c.2584G>A on transcript NM_022167.4 (MANE Select); coding-DNA position 2584, G replaced by A.
Protein change: p.Gly862Arg; replaces glycine 862 with arginine.
Molecular consequence: missense variant.
Genome position (GRCh38, 1-based): chr17:50,360,277, G>A. VCF-style: chr17-50360277-G-A. GRCh37 (hg19) VCF-style: chr17-48437638-G-A.
Other names: short protein forms G862R.
Identifiers: ClinVar variation 1464179 (VCV001464179.4), dbSNP rs368411795, ClinGen allele CA291580891.

ClinVar aggregate classification (germline): Uncertain significance. Review status: criteria provided, multiple submitters, no conflicts (2 of 4 stars). 2 submissions from 2 submitters: Uncertain significance (2). Last evaluated 2025-03-24.

Conditions:
Inborn genetic diseases. Identifiers: MedGen C0950123, MeSH D030342.

Allele frequency attached by ClinVar (database versions not stated): TOPMed 0.00002; gnomAD 0.00005; ESP Exome Variant Server 0.00008.

Submissions (2):

Ambry Genetics
Classification: Uncertain significance for Inborn genetic diseases. Last evaluated: 2025-03-24. Review status: criteria provided, single submitter. Criteria: Ambry Variant Classification Scheme 2023. Collection method: clinical testing. Allele origin: germline.

Labcorp Genetics (formerly Invitae), Labcorp
Classification: Uncertain significance. Last evaluated: 2022-09-07. Review status: criteria provided, single submitter. Criteria: Invitae Variant Classification Sherloc (09022015). Collection method: clinical testing. Allele origin: germline.
Comment: This sequence change replaces glycine, which is neutral and non-polar, with arginine, which is basic and polar, at codon 862 of the XYLT2 protein (p.Gly862Arg). This variant is present in population databases (rs368411795, gnomAD 0.01%). This variant has not been reported in the literature in individuals affected with XYLT2-related conditions. ClinVar contains an entry for this variant (Variation ID: 1464179). Algorithms developed to predict the effect of missense changes on protein structure and function are either unavailable or do not agree on the potential impact of this missense change (SIFT: "Deleterious"; PolyPhen-2: "Probably Damaging"; Align-GVGD: "Class C0"). In summary, the available evidence is currently insufficient to determine the role of this variant in disease. Therefore, it has been classified as a Variant of Uncertain Significance.